The following is an entry in ClinVar:

NM_001374828.1(ARID1B):c.633G>A (p.Gln211=)

Genes: ARID1B (AT-rich interaction domain 1B; plus strand), LOC115308161 (uncharacterized LOC115308161; minus strand). Cytogenetic location: 6q25.3.
Variant type: single nucleotide variant.
Coding change: c.633G>A on transcript NM_001374828.1 (MANE Select); coding-DNA position 633, G replaced by A.
Protein change: p.Gln211=; no amino-acid change (glutamine 211 retained).
Molecular consequence: synonymous variant. On other transcripts: non-coding transcript variant (1).
Genome position (GRCh38, 1-based): chr6:156,778,313, G>A. VCF-style: chr6-156778313-G-A. GRCh37 (hg19) VCF-style: chr6-157099447-G-A.
Other names: c.633G>A, p.Gln211= (NM_001371656.1, NM_001374820.1, NM_017519.3).
Identifiers: ClinVar variation 3669682 (VCV003669682.4).

ClinVar aggregate classification (germline): Likely benign. Review status: criteria provided, multiple submitters, no conflicts (2 of 4 stars). 2 submissions from 2 submitters: Likely benign (2). Last evaluated 2026-04-01.

gnomAD v4.1: 11 of 1,544,750 alleles (0.00071%); highest among the groups gnomAD compares: African/African-American, 0.0096%; no homozygotes.

Submissions (2):

CeGaT Center for Human Genetics Tuebingen
Classification: Likely benign. Last evaluated: 2026-04-01. Review status: criteria provided, single submitter. Criteria: CeGaT Center For Human Genetics Tuebingen Variant Classification Criteria Version 2. Collection method: clinical testing. Allele origin: germline. Affected: yes. Observed: 1 variant allele.
Comment: ARID1B: BP4, BP7

Labcorp Genetics (formerly Invitae), Labcorp
Classification: Likely benign. Last evaluated: 2024-10-12. Review status: criteria provided, single submitter. Criteria: Invitae Variant Classification Sherloc (09022015). Collection method: clinical testing. Allele origin: germline.